The following is an entry in ClinVar:

NM_001041.4(SI):c.3602C>G (p.Thr1201Ser)

Gene: SI (sucrase-isomaltase; minus strand). Cytogenetic location: 3q26.1.
Variant type: single nucleotide variant.
Coding change: c.3602C>G on transcript NM_001041.4 (MANE Select); coding-DNA position 3602, C replaced by G.
Protein change: p.Thr1201Ser; replaces threonine 1201 with serine.
Molecular consequence: missense variant.
Genome position (GRCh38, 1-based): chr3:165,017,792, G>C on the plus strand (C>G on the coding strand, the complement: SI is on the minus strand). VCF-style: chr3-165017792-G-C. GRCh37 (hg19) VCF-style: chr3-164735580-G-C.
Other names: short protein forms T1201S.
Identifiers: ClinVar variation 2416342 (VCV002416342.6), dbSNP rs777533492, ClinGen allele CA2690207.

ClinVar aggregate classification (germline): Uncertain significance (1 of 4 stars; one submission).

Allele frequency attached by ClinVar (database versions not stated): ExAC 0.00001; gnomAD exomes 0.00001.
gnomAD v4.1: 8 of 1,612,940 alleles (0.0005%); highest among the groups gnomAD compares: East Asian, 0.016%; no homozygotes.

Submission:

Labcorp Genetics (formerly Invitae), Labcorp
Classification: Uncertain significance. Last evaluated: 2022-04-24. Review status: criteria provided, single submitter. Criteria: Invitae Variant Classification Sherloc (09022015). Collection method: clinical testing. Allele origin: germline.
Comment: This sequence change replaces threonine, which is neutral and polar, with serine, which is neutral and polar, at codon 1201 of the SI protein (p.Thr1201Ser). This variant is present in population databases (rs777533492, gnomAD 0.006%). This variant has not been reported in the literature in individuals affected with SI-related conditions. Algorithms developed to predict the effect of missense changes on protein structure and function output the following: SIFT: "Tolerated"; PolyPhen-2: "Benign"; Align-GVGD: "Class C0". The serine amino acid residue is found in multiple mammalian species, which suggests that this missense change does not adversely affect protein function. In summary, the available evidence is currently insufficient to determine the role of this variant in disease. Therefore, it has been classified as a Variant of Uncertain Significance.